The following is an entry in ClinVar:

ClinVar aggregate classification (germline): Uncertain significance (1 of 4 stars; one submission).

Submission:

Labcorp Genetics (formerly Invitae), Labcorp
Classification: Uncertain significance. Last evaluated: 2025-10-13. Review status: criteria provided, single submitter. Criteria: Invitae Variant Classification Sherloc (09022015). Collection method: clinical testing. Allele origin: germline.
Comment: This sequence change replaces glutamine, which is neutral and polar, with proline, which is neutral and non-polar, at codon 264 of the GPR88 protein (p.Gln264Pro). The frequency data for this variant in the population databases is considered unreliable, as metrics indicate insufficient coverage at this position in the gnomAD database. This variant has not been reported in the literature in individuals affected with GPR88-related conditions. An algorithm developed to predict the effect of missense changes on protein structure and function outputs the following: PolyPhen-2: "Not Available". The proline amino acid residue is found in multiple mammalian species, which suggests that this missense change does not adversely affect protein function. In summary, the available evidence is currently insufficient to determine the role of this variant in disease. Therefore, it has been classified as a Variant of Uncertain Significance.

NM_022049.3(GPR88):c.791A>C (p.Gln264Pro)

Gene: GPR88 (G protein-coupled receptor 88; plus strand). Cytogenetic location: 1p21.2.
Variant type: single nucleotide variant.
Coding change: c.791A>C on transcript NM_022049.3 (MANE Select); coding-DNA position 791, A replaced by C.
Protein change: p.Gln264Pro; replaces glutamine 264 with proline.
Molecular consequence: missense variant.
Genome position (GRCh38, 1-based): chr1:100,539,757, A>C. VCF-style: chr1-100539757-A-C. GRCh37 (hg19) VCF-style: chr1-101005313-A-C.
Other names: short protein forms Q264P.
Identifiers: ClinVar variation 4780069 (VCV004780069.1).